The following is an entry in ClinVar:

NM_024334.3(TMEM43):c.55del (p.Thr19fs)

Gene: TMEM43 (transmembrane protein 43; plus strand). Cytogenetic location: 3p25.1.
Variant type: Deletion.
Coding change: c.55del on transcript NM_024334.3 (MANE Select); coding-DNA position 55, one base deleted (A; older notation c.55delA).
Protein change: p.Thr19fs; shifts the reading frame from threonine 19.
Molecular consequence: frameshift variant. On other transcripts: intron variant (1).
Genome position (GRCh38, 1-based): chr3:14,129,454, A deleted; the last of 4 consecutive A bases (chr3:14,129,451-14,129,454); deleting any one gives the same sequence. VCF-style (leftmost placement, unchanged base first): chr3-14129450-TA-T. GRCh37 (hg19) VCF-style: chr3-14170950-TA-T.
Other names: c.55del, p.Thr19fs (NM_001407274.1, NM_001407275.1, NM_001407276.1 and 3 more transcripts); c.13-1368del (NM_001407280.1); short protein forms T19fs.
Identifiers: ClinVar variation 2879666 (VCV002879666.3), dbSNP rs2470176282, ClinGen allele CA2739278223.

ClinVar aggregate classification (germline): Uncertain significance (1 of 4 stars; one submission).

Conditions:
Arrhythmogenic right ventricular dysplasia 5. Also called: Arrhythmogenic Right Ventricular Dysplasia/Cardiomyopathy 5; ARRHYTHMOGENIC RIGHT VENTRICULAR DYSPLASIA, FAMILIAL, 5. Identifiers: MedGen C1858379, MONDO:0011459, OMIM 604400.

Submission:

Labcorp Genetics (formerly Invitae), Labcorp
Classification: Uncertain significance for Arrhythmogenic right ventricular dysplasia 5. Last evaluated: 2023-09-06. Review status: criteria provided, single submitter. Criteria: Invitae Variant Classification Sherloc (09022015). Collection method: clinical testing. Allele origin: germline.
Comment: In summary, the available evidence is currently insufficient to determine the role of this variant in disease. Therefore, it has been classified as a Variant of Uncertain Significance. This variant has not been reported in the literature in individuals affected with TMEM43-related conditions. This sequence change creates a premature translational stop signal (p.Thr19Profs*11) in the TMEM43 gene. It is expected to result in an absent or disrupted protein product. However, the current clinical and genetic evidence is not sufficient to establish whether loss-of-function variants in TMEM43 cause disease. This variant is not present in population databases (gnomAD no frequency).